The following is an entry in ClinVar:

NM_006767.4(LZTR1):c.524G>C (p.Arg175Thr)

Gene: LZTR1 (leucine zipper like post translational regulator 1; plus strand). Cytogenetic location: 22q11.21.
Variant type: single nucleotide variant.
Coding change: c.524G>C on transcript NM_006767.4 (MANE Select); coding-DNA position 524, G replaced by C.
Protein change: p.Arg175Thr; replaces arginine 175 with threonine.
Molecular consequence: missense variant.
Genome position (GRCh38, 1-based): chr22:20,988,803, G>C. VCF-style: chr22-20988803-G-C. GRCh37 (hg19) VCF-style: chr22-21343092-G-C.
Other names: short protein forms R175T.
Identifiers: ClinVar variation 2447758 (VCV002447758.4), dbSNP rs1924495083, ClinGen allele CA410780102.

ClinVar aggregate classification (germline): Uncertain significance. Review status: criteria provided, multiple submitters, no conflicts (2 of 4 stars). 2 submissions from 2 submitters: Uncertain significance (2). Last evaluated 2025-09-20.

Conditions:
Cardiovascular phenotype. Identifiers: MedGen CN230736.
Hereditary cancer-predisposing syndrome. Also called: Neoplastic Syndromes, Hereditary; Hereditary Cancer Syndrome; Tumor predisposition; Hereditary neoplastic syndrome. Identifiers: Orphanet 140162, MedGen C0027672, MeSH D009386, MONDO:0015356.

Submissions (2):

Labcorp Genetics (formerly Invitae), Labcorp
Classification: Uncertain significance. Last evaluated: 2025-09-20. Review status: criteria provided, single submitter. Criteria: Invitae Variant Classification Sherloc (09022015). Collection method: clinical testing. Allele origin: germline.
Comment: This sequence change replaces arginine, which is basic and polar, with threonine, which is neutral and polar, at codon 175 of the LZTR1 protein (p.Arg175Thr). This variant is not present in population databases (gnomAD no frequency). This variant has not been reported in the literature in individuals affected with LZTR1-related conditions. ClinVar contains an entry for this variant (Variation ID: 2447758). Invitae Evidence Modeling of protein sequence and biophysical properties (such as structural, functional, and spatial information, amino acid conservation, physicochemical variation, residue mobility, and thermodynamic stability) indicates that this missense variant is not expected to disrupt LZTR1 protein function with a negative predictive value of 80%. In summary, the available evidence is currently insufficient to determine the role of this variant in disease. Therefore, it has been classified as a Variant of Uncertain Significance.

Ambry Genetics
Classification: Uncertain significance for Cardiovascular phenotype; Hereditary cancer-predisposing syndrome. Last evaluated: 2023-02-18. Review status: criteria provided, single submitter. Criteria: Ambry Variant Classification Scheme 2023. Collection method: clinical testing. Allele origin: germline.
Comment: The p.R175T variant (also known as c.524G>C), located in coding exon 6 of the LZTR1 gene, results from a G to C substitution at nucleotide position 524. The arginine at codon 175 is replaced by threonine, an amino acid with similar properties. This amino acid position is conserved. In addition, this alteration is predicted to be deleterious by in silico analysis. Since supporting evidence is limited at this time, the clinical significance of this alteration remains unclear.